The following is an entry in ClinVar:

NM_000550.3(TYRP1):c.899del (p.Gly300fs)

Gene: TYRP1 (tyrosinase related protein 1; plus strand). Cytogenetic location: 9p23.
Variant type: Deletion.
Coding change: c.899del on transcript NM_000550.3 (MANE Select); coding-DNA position 899, one base deleted (G; older notation c.899delG).
Protein change: p.Gly300fs; shifts the reading frame from glycine 300.
Molecular consequence: frameshift variant.
Genome position (GRCh38, 1-based): chr9:12,698,641, G deleted; the last of 3 consecutive G bases (chr9:12,698,639-12,698,641); deleting any one gives the same sequence. VCF-style (leftmost placement, unchanged base first): chr9-12698638-TG-T. GRCh37 (hg19) VCF-style: chr9-12698638-TG-T.
Other names: short protein forms G300fs.
Identifiers: ClinVar variation 2857933 (VCV002857933.3), dbSNP rs2537280344, ClinGen allele CA2739269162.

ClinVar aggregate classification (germline): Pathogenic (1 of 4 stars; one submission).

Submission:

Labcorp Genetics (formerly Invitae), Labcorp
Classification: Pathogenic. Last evaluated: 2023-10-14. Review status: criteria provided, single submitter. Criteria: Invitae Variant Classification Sherloc (09022015). Collection method: clinical testing. Allele origin: germline.
Comment: This sequence change creates a premature translational stop signal (p.Gly300Glufs*85) in the TYRP1 gene. It is expected to result in an absent or disrupted protein product. Loss-of-function variants in TYRP1 are known to be pathogenic (PMID: 8651291, 9345097). This variant is not present in population databases (gnomAD no frequency). This variant has not been reported in the literature in individuals affected with TYRP1-related conditions. For these reasons, this variant has been classified as Pathogenic.

Literature cited by the submitters: PubMed 8651291; PubMed 9345097.